The following is an entry in ClinVar:

ClinVar aggregate classification (germline): Likely pathogenic (1 of 4 stars; one submission).

Conditions:
Hypertrophic cardiomyopathy 26. Also called: Cardiomyopathy, familial hypertrophic, 26. Identifiers: Orphanet 75249, MedGen C4310749, MONDO:0014883, OMIM 617047.
Myofibrillar myopathy 5. Also called: Filaminopathy (type); FILAMINOPATHY, AUTOSOMAL DOMINANT. Identifiers: Orphanet 171445, MedGen C1836050, MONDO:0012289, OMIM 609524.

Submission:

Juno Genomics, Hangzhou Juno Genomics, Inc
Classification: Likely pathogenic for Myofibrillar myopathy 5; Hypertrophic cardiomyopathy 26. Review status: criteria provided, single submitter. Criteria: ACMG Guidelines, 2015. Collection method: clinical testing. Allele origin: germline.
Comment: Absent from controls (or at extremely low frequency if recessive) in Genome Aggregation Database.;Null variant in a gene where loss of function (LOF) is a known mechanism of disease.

NM_001458.5(FLNC):c.5842+1G>T

Genes: FLNC (filamin C; plus strand), FLNC-AS1 (FLNC antisense RNA 1; minus strand). Cytogenetic location: 7q32.1.
Variant type: single nucleotide variant.
Coding change: c.5842+1G>T on transcript NM_001458.5 (MANE Select); the canonical splice donor site of the intron after coding-DNA position 5842, G replaced by T.
Molecular consequence: splice donor variant.
Genome position (GRCh38, 1-based): chr7:128,851,629, G>T. VCF-style: chr7-128851629-G-T. GRCh37 (hg19) VCF-style: chr7-128491683-G-T.
Other names: c.5743+1G>T (NM_001127487.2).
Identifiers: ClinVar variation 4531246 (VCV004531246.2).